The following is an entry in ClinVar:

ClinVar aggregate classification (germline): Likely benign (0 of 4 stars; one submission).

Conditions:
LAMA3-related disorder. Also called: LAMA3-related disorders; LAMA3-related condition.

Allele frequency attached by ClinVar (database versions not stated): gnomAD exomes below 0.00001; ExAC 0.00002; gnomAD 0.00005; TOPMed 0.00005; ESP Exome Variant Server 0.00008.
gnomAD v4.1: 16 of 1,613,788 alleles (0.00099%); highest among the groups gnomAD compares: African/African-American, 0.013%; no homozygotes.

Submission:

PreventionGenetics, part of Exact Sciences
Classification: Likely benign for LAMA3-related condition. Last evaluated: 2024-01-16. Review status: no assertion criteria provided. Collection method: clinical testing. Allele origin: germline.
Comment: This variant is classified as likely benign based on ACMG/AMP sequence variant interpretation guidelines (Richards et al. 2015 PMID: 25741868, with internal and published modifications).

NM_198129.4(LAMA3):c.5133G>A (p.Ala1711=)

Gene: LAMA3 (laminin subunit alpha 3; plus strand). Cytogenetic location: 18q11.2.
Variant type: single nucleotide variant.
Coding change: c.5133G>A on transcript NM_198129.4 (MANE Select); coding-DNA position 5133, G replaced by A.
Protein change: p.Ala1711=; no amino-acid change (alanine 1711 retained).
Molecular consequence: synonymous variant.
Genome position (GRCh38, 1-based): chr18:23,881,956, G>A. VCF-style: chr18-23881956-G-A. GRCh37 (hg19) VCF-style: chr18-21461920-G-A.
Other names: c.306G>A, p.Ala102= (NM_000227.6, NM_001127718.4); c.5133G>A, p.Ala1711= (NM_001127717.4).
Identifiers: ClinVar variation 3029557 (VCV003029557.2), dbSNP rs146514603, ClinGen allele CA8915911.